The following is an entry in ClinVar:

ClinVar aggregate classification (germline): Likely pathogenic (1 of 4 stars; one submission).

Submission:

GeneDx
Classification: Likely pathogenic. Last evaluated: 2019-04-11. Review status: criteria provided, single submitter. Criteria: GeneDx Variant Classification Process June 2021. Collection method: clinical testing. Allele origin: germline. Affected: yes.
Comment: Not observed in large population cohorts (Lek et al., 2016); The majority of missense variants in this gene are considered pathogenic (Stenson et al., 2014); In silico analysis, which includes protein predictors and evolutionary conservation, supports a deleterious effect; Has not been previously published as pathogenic or benign to our knowledge

NM_001110219.3(GJB6):c.176G>A (p.Gly59Glu)

Gene: GJB6 (gap junction protein beta 6; minus strand). Cytogenetic location: 13q12.11.
Variant type: single nucleotide variant.
Coding change: c.176G>A on transcript NM_001110219.3 (MANE Select); coding-DNA position 176, G replaced by A.
Protein change: p.Gly59Glu; replaces glycine 59 with glutamic acid.
Molecular consequence: missense variant.
Genome position (GRCh38, 1-based): chr13:20,223,305, C>T on the plus strand (G>A on the coding strand, the complement: GJB6 is on the minus strand). VCF-style: chr13-20223305-C-T. GRCh37 (hg19) VCF-style: chr13-20797444-C-T.
Other names: c.176G>A, p.Gly59Glu (NM_001110220.3, NM_001110221.3, NM_001370090.1 and 3 more transcripts); short protein forms G59E.
Identifiers: ClinVar variation 1192065 (VCV001192065.2), dbSNP rs2137333887, ClinGen allele CA387468682.